The following is an entry in ClinVar:

NM_006642.5(SDCCAG8):c.749T>C (p.Leu250Ser)

Gene: SDCCAG8 (SHH signaling and ciliogenesis regulator SDCCAG8; plus strand). Cytogenetic location: 1q43.
Variant type: single nucleotide variant.
Coding change: c.749T>C on transcript NM_006642.5 (MANE Select); coding-DNA position 749, T replaced by C.
Protein change: p.Leu250Ser; replaces leucine 250 with serine.
Molecular consequence: missense variant. On other transcripts: 5 prime UTR variant (3).
Genome position (GRCh38, 1-based): chr1:243,307,997, T>C. VCF-style: chr1-243307997-T-C. GRCh37 (hg19) VCF-style: chr1-243471299-T-C.
Other names: c.455T>C, p.Leu152Ser (NM_001350249.2); c.-155T>C (NM_001350251.2, NM_001350246.2, NM_001350247.2); c.845T>C, p.Leu282Ser (NM_001350248.2); short protein forms L282S, L152S, L250S.
Identifiers: ClinVar variation 1416008 (VCV001416008.7), dbSNP rs1357310997, ClinGen allele CA345478969.

ClinVar aggregate classification (germline): Uncertain significance. Review status: criteria provided, multiple submitters, no conflicts (2 of 4 stars). 2 submissions from 2 submitters: Uncertain significance (2). Last evaluated 2021-12-15.

Conditions:
Senior-Loken syndrome 7 (SLSN7). Identifiers: Orphanet 3156, MedGen C3150877, MONDO:0013326, OMIM 613615.
Bardet-Biedl syndrome 16 (BBS16). Identifiers: Orphanet 110, MedGen C3889474, MONDO:0014444, OMIM 615993.

Allele frequency attached by ClinVar (database versions not stated): gnomAD exomes below 0.00001 and 0.00001.
gnomAD v4.1: 2 of 1,613,950 alleles (0.00012%); highest among the groups gnomAD compares: East Asian, 0.0022%; no homozygotes.

Submissions (2):

Fulgent Genetics
Classification: Uncertain significance for Senior-Loken syndrome 7; Bardet-Biedl syndrome 16. Last evaluated: 2021-12-15. Review status: criteria provided, single submitter. Criteria: ACMG Guidelines, 2015. Collection method: clinical testing. Allele origin: unknown.

Labcorp Genetics (formerly Invitae), Labcorp
Classification: Uncertain significance for Bardet-Biedl syndrome 16; Senior-Loken syndrome 7. Last evaluated: 2021-09-15. Review status: criteria provided, single submitter. Criteria: Invitae Variant Classification Sherloc (09022015). Collection method: clinical testing. Allele origin: germline.
Comment: This sequence change replaces leucine with serine at codon 250 of the SDCCAG8 protein (p.Leu250Ser). The leucine residue is highly conserved and there is a large physicochemical difference between leucine and serine. This variant is not present in population databases (ExAC no frequency). This variant has not been reported in the literature in individuals affected with SDCCAG8-related conditions. Algorithms developed to predict the effect of missense changes on protein structure and function (SIFT, PolyPhen-2, Align-GVGD) all suggest that this variant is likely to be disruptive. In summary, the available evidence is currently insufficient to determine the role of this variant in disease. Therefore, it has been classified as a Variant of Uncertain Significance.